The following is an entry in ClinVar:

NM_018192.4(P3H2):c.880C>A (p.Arg294Ser)

Gene: P3H2 (prolyl 3-hydroxylase 2; minus strand). Cytogenetic location: 3q28.
Variant type: single nucleotide variant.
Coding change: c.880C>A on transcript NM_018192.4 (MANE Select); coding-DNA position 880, C replaced by A.
Protein change: p.Arg294Ser; replaces arginine 294 with serine.
Molecular consequence: missense variant.
Genome position (GRCh38, 1-based): chr3:189,988,982, G>T on the plus strand (C>A on the coding strand, the complement: P3H2 is on the minus strand). VCF-style: chr3-189988982-G-T. GRCh37 (hg19) VCF-style: chr3-189706771-G-T.
Other names: c.337C>A, p.Arg113Ser (NM_001134418.2); short protein forms R294S, R113S.
Identifiers: ClinVar variation 1514250 (VCV001514250.6), dbSNP rs752518027, ClinGen allele CA2753189.
Genomic context (GRCh38, chr3:189,988,982, plus strand): 5'-ACTGTAGGTAATCATAGTGCAGAGGAAGAAAATTCTCGATGGGAGAGAGGCGGCCAGGGC[G>T]GGTGGCAAGTTCCCTCACACATTCATGCTGACAAACAAGCACCTGCATGTAGTGATCTGG-3'
Protein context (NP_060662.2, residues 284-304): QHECVRELAT[Arg294Ser]PGRLSPIENF

ClinVar aggregate classification (germline): Uncertain significance (1 of 4 stars; one submission).

gnomAD v4.1: 21 of 1,613,902 alleles (0.0013%); highest among the groups gnomAD compares: Non-Finnish European, 0.0017%; no homozygotes.

Submission:

Labcorp Genetics (formerly Invitae), Labcorp
Classification: Uncertain significance. Last evaluated: 2021-11-11. Review status: criteria provided, single submitter. Criteria: Invitae Variant Classification Sherloc (09022015). Collection method: clinical testing. Allele origin: germline.
Comment: In summary, the available evidence is currently insufficient to determine the role of this variant in disease. Therefore, it has been classified as a Variant of Uncertain Significance. Algorithms developed to predict the effect of missense changes on protein structure and function are either unavailable or do not agree on the potential impact of this missense change (SIFT: "Tolerated"; PolyPhen-2: "Possibly Damaging"; Align-GVGD: "Class C15"). This variant has not been reported in the literature in individuals affected with P3H2-related conditions. This variant is present in population databases (rs752518027, gnomAD 0.004%). This sequence change replaces arginine, which is basic and polar, with serine, which is neutral and polar, at codon 294 of the P3H2 protein (p.Arg294Ser).